The following is an entry in ClinVar:

NM_006231.4(POLE):c.2320-156C>T

Gene: POLE (DNA polymerase epsilon, catalytic subunit; minus strand). Cytogenetic location: 12q24.33.
Variant type: single nucleotide variant.
Coding change: c.2320-156C>T on transcript NM_006231.4 (MANE Select); 156 bases into the intron before coding-DNA position 2320, C replaced by T.
Molecular consequence: intron variant.
Genome position (GRCh38, 1-based): chr12:132,665,606, G>A on the plus strand (C>T on the coding strand, the complement: POLE is on the minus strand). VCF-style: chr12-132665606-G-A. GRCh37 (hg19) VCF-style: chr12-133242192-G-A.
Identifiers: ClinVar variation 679719 (VCV000679719.2), dbSNP rs5744819, ClinGen allele CA246285982.
Genomic context (GRCh38, chr12:132,665,606, plus strand): 5'-AAATCTATAGAAAACCTAAAAAACCAGTACAATGAAGAGTGTACATTCTTCTCCTAGACT[G>A]GCCAACTGTCAATATTTTGTCACACTTCCTTTATTCTGTCTCTCTGTGTTGACAGAATCA-3'

ClinVar aggregate classification (germline): Likely benign. Review status: criteria provided, multiple submitters, no conflicts (2 of 4 stars). 2 submissions from 2 submitters: Likely benign (2). Last evaluated 2018-06-17.

Allele frequency attached by ClinVar (database versions not stated): 1000 Genomes Project 30x 0.00765; 1000 Genomes Project 0.00779; TOPMed 0.01369; gnomAD 0.01669 and 0.01743.
gnomAD v4.1: 2,539 of 152,220 alleles (1.7%); highest among the groups gnomAD compares: Non-Finnish European, 2.4%; 38 homozygotes.

Submissions (2):

GeneDx
Classification: Likely benign. Last evaluated: 2018-06-17. Review status: criteria provided, single submitter. Criteria: GeneDx Variant Classification (06012015). Collection method: clinical testing. Allele origin: germline. Affected: yes.
Comment: This variant is considered likely benign or benign based on one or more of the following criteria: it is a conservative change, it occurs at a poorly conserved position in the protein, it is predicted to be benign by multiple in silico algorithms, and/or has population frequency not consistent with disease.

Breakthrough Genomics
Classification: Likely benign. Review status: criteria provided, single submitter. Criteria: ACMG Guidelines, 2015. Collection method: not provided. Allele origin: germline. Inheritance: Autosomal recessive inheritance. Affected: yes.